The following is an entry in ClinVar:

NM_006846.4(SPINK5):c.666+6A>G

Gene: SPINK5 (serine peptidase inhibitor Kazal type 5; plus strand). Cytogenetic location: 5q32.
Variant type: single nucleotide variant.
Coding change: c.666+6A>G on transcript NM_006846.4 (MANE Select); 6 bases into the intron after coding-DNA position 666, A replaced by G.
Molecular consequence: intron variant.
Genome position (GRCh38, 1-based): chr5:148,091,234, A>G. VCF-style: chr5-148091234-A-G. GRCh37 (hg19) VCF-style: chr5-147470797-A-G.
Other names: c.666+6A>G (NM_001127698.2, NM_001127699.2).
Identifiers: ClinVar variation 1895788 (VCV001895788.5), dbSNP rs2531696812, ClinGen allele CA2580073034.

ClinVar aggregate classification (germline): Uncertain significance (1 of 4 stars; one submission).

Conditions:
Ichthyosis linearis circumflexa. Identifiers: MedGen C0265962, MONDO:0043106, HP:0025810.

Submission:

Labcorp Genetics (formerly Invitae), Labcorp
Classification: Uncertain significance for Ichthyosis linearis circumflexa. Last evaluated: 2022-12-04. Review status: criteria provided, single submitter. Criteria: Invitae Variant Classification Sherloc (09022015). Collection method: clinical testing. Allele origin: germline.
Comment: This sequence change falls in intron 8 of the SPINK5 gene. It does not directly change the encoded amino acid sequence of the SPINK5 protein. It affects a nucleotide within the consensus splice site. In summary, the available evidence is currently insufficient to determine the role of this variant in disease. Therefore, it has been classified as a Variant of Uncertain Significance. Variants that disrupt the consensus splice site are a relatively common cause of aberrant splicing (PMID: 17576681, 9536098). Algorithms developed to predict the effect of sequence changes on RNA splicing suggest that this variant is not likely to affect RNA splicing. This variant has not been reported in the literature in individuals affected with SPINK5-related conditions. This variant is not present in population databases (gnomAD no frequency).

Literature cited by the submitters: PubMed 17576681; PubMed 9536098.